The following is an entry in ClinVar:

NM_001931.5(DLAT):c.1501A>G (p.Thr501Ala)

Gene: DLAT (dihydrolipoamide S-acetyltransferase; plus strand). Cytogenetic location: 11q23.1.
Variant type: single nucleotide variant.
Coding change: c.1501A>G on transcript NM_001931.5 (MANE Select); coding-DNA position 1501, A replaced by G.
Protein change: p.Thr501Ala; replaces threonine 501 with alanine.
Molecular consequence: missense variant. On other transcripts: non-coding transcript variant (1).
Genome position (GRCh38, 1-based): chr11:112,051,336, A>G. VCF-style: chr11-112051336-A-G. GRCh37 (hg19) VCF-style: chr11-111922060-A-G.
Other names: c.1495A>G, p.Thr499Ala (NM_001372032.1); c.1501A>G, p.Thr501Ala (NM_001372033.1); c.1468A>G, p.Thr490Ala (NM_001372034.1); c.1393A>G, p.Thr465Ala (NM_001372035.1); c.1375A>G, p.Thr459Ala (NM_001372036.1); c.1333A>G, p.Thr445Ala (NM_001372037.1); c.1222A>G, p.Thr408Ala (NM_001372038.1); c.1186A>G, p.Thr396Ala (NM_001372039.1); and 4 more; short protein forms T408A, T347A, T360A, T374A, T490A, T507A, T445A, T499A.
Identifiers: ClinVar variation 2134623 (VCV002134623.4), dbSNP rs2498580493, ClinGen allele CA382616368.
Genomic context (GRCh38, chr11:112,051,336, plus strand): 5'-ATAAAAGCTTCAGCTTTGGCATGTTTAAAAGTTCCCGAAGCAAATTCTTCTTGGATGGAC[A>G]CAGTTATAAGACAGTAAGTATAACTGGGGAAGATATATATCCATCGGTAGTTTTCTTGTA-3'
Protein context (NP_001922.2, residues 491-511): VPEANSSWMD[Thr501Ala]VIRQNHVVDV

ClinVar aggregate classification (germline): Uncertain significance (1 of 4 stars; one submission).

Conditions:
Pyruvate dehydrogenase E2 deficiency (PDHDD). Also called: Dihydrolipoamide Acetyltransferase (E2) Deficiency; LACTIC ACIDEMIA DUE TO DEFECT OF E2 LIPOYL TRANSACETYLASE OF THE PYRUVATE DEHYDROGENASE COMPLEX. Identifiers: Orphanet 765, Orphanet 79244, MedGen C1855565, MONDO:0009502, OMIM 245348.

Submission:

Labcorp Genetics (formerly Invitae), Labcorp
Classification: Uncertain significance for Pyruvate dehydrogenase E2 deficiency. Last evaluated: 2022-05-18. Review status: criteria provided, single submitter. Criteria: Invitae Variant Classification Sherloc (09022015). Collection method: clinical testing. Allele origin: germline.
Comment: In summary, the available evidence is currently insufficient to determine the role of this variant in disease. Therefore, it has been classified as a Variant of Uncertain Significance. Advanced modeling of protein sequence and biophysical properties (such as structural, functional, and spatial information, amino acid conservation, physicochemical variation, residue mobility, and thermodynamic stability) performed at Invitae indicates that this missense variant is not expected to disrupt DLAT protein function. This sequence change replaces threonine, which is neutral and polar, with alanine, which is neutral and non-polar, at codon 501 of the DLAT protein (p.Thr501Ala). This variant is not present in population databases (gnomAD no frequency). This variant has not been reported in the literature in individuals affected with DLAT-related conditions.